The following is an entry in ClinVar:

ClinVar aggregate classification (germline): Uncertain significance (1 of 4 stars; one submission).

Conditions:
Hypertrophic cardiomyopathy. Also called: HYPERTROPHIC MYOCARDIOPATHY. Identifiers: Orphanet 217569, MedGen C0007194, MeSH D002312, MONDO:0005045, HP:0001639.

Submission:

Labcorp Genetics (formerly Invitae), Labcorp
Classification: Uncertain significance for Hypertrophic cardiomyopathy. Last evaluated: 2024-05-14. Review status: criteria provided, single submitter. Criteria: Invitae Variant Classification Sherloc (09022015). Collection method: clinical testing. Allele origin: germline.
Comment: This sequence change replaces methionine, which is neutral and non-polar, with threonine, which is neutral and polar, at codon 388 of the MYH7 protein (p.Met388Thr). This variant is not present in population databases (gnomAD no frequency). This missense change has been observed in individual(s) with hypertrophic cardiomyopathy (PMID: 17125710). ClinVar contains an entry for this variant (Variation ID: 639767). Advanced modeling of protein sequence and biophysical properties (such as structural, functional, and spatial information, amino acid conservation, physicochemical variation, residue mobility, and thermodynamic stability) performed at Invitae indicates that this missense variant is expected to disrupt MYH7 protein function with a positive predictive value of 95%. In summary, the available evidence is currently insufficient to determine the role of this variant in disease. Therefore, it has been classified as a Variant of Uncertain Significance.

Literature cited by the submitters: PubMed 17125710.

NM_000257.4(MYH7):c.1163T>C (p.Met388Thr)

Gene: MYH7 (myosin heavy chain 7; minus strand). Cytogenetic location: 14q11.2.
Variant type: single nucleotide variant.
Coding change: c.1163T>C on transcript NM_000257.4 (MANE Select); coding-DNA position 1163, T replaced by C.
Protein change: p.Met388Thr; replaces methionine 388 with threonine.
Molecular consequence: missense variant.
Genome position (GRCh38, 1-based): chr14:23,429,323, A>G on the plus strand (T>C on the coding strand, the complement: MYH7 is on the minus strand). VCF-style: chr14-23429323-A-G. GRCh37 (hg19) VCF-style: chr14-23898532-A-G.
Other names: short protein forms M388T.
Identifiers: ClinVar variation 639767 (VCV000639767.7), dbSNP rs1595087175, ClinGen allele CA389051212.